The following is an entry in ClinVar:

ClinVar aggregate classification (germline): Likely benign (1 of 4 stars; one submission).

Submission:

Mayo Clinic Laboratories, Mayo Clinic
Classification: Likely benign. Last evaluated: 2025-06-03. Review status: criteria provided, single submitter. Criteria: ACMG Guidelines, 2015. Collection method: clinical testing. Allele origin: germline. Observed: 1 variant allele.
Comment: BS1, BP4, BP7

NM_001018111.3(PODXL):c.707-14_707-5del

Gene: PODXL (podocalyxin like; minus strand). Cytogenetic location: 7q32.3.
Variant type: Deletion.
Coding change: c.707-14_707-5del on transcript NM_001018111.3 (MANE Select); 14 bases into the intron before coding-DNA position 707 through 5 bases into the intron before coding-DNA position 707, 10 bases deleted (TTTTTTTTTT; older notation c.707-14_707-5delTTTTTTTTTT).
Molecular consequence: intron variant.
Genome position (GRCh38, 1-based): chr7:131,510,336-131,510,345, AAAAAAAAAA deleted on the plus strand (TTTTTTTTTT on the coding strand, the reverse complement: PODXL is on the minus strand); deleting any 10 consecutive bases within chr7:131,510,336-131,510,362 gives the same sequence; the c. name uses the placement nearest the transcript's 3' end. VCF-style (leftmost placement, unchanged base first): chr7-131510335-GAAAAAAAAAA-G. GRCh37 (hg19) VCF-style: chr7-131195094-GAAAAAAAAAA-G.
Other names: p.?; c.706+483_706+492del (NM_005397.4).
Identifiers: ClinVar variation 4683309 (VCV004683309.1).